The following is an entry in ClinVar:

ClinVar aggregate classification (germline): Pathogenic. Review status: criteria provided, multiple submitters, no conflicts (2 of 4 stars). 8 submissions from 8 submitters: Pathogenic (4). 4 of the submissions do not count toward it. Last evaluated 2025-06-14.

Conditions:
Primary pulmonary hypertension. Also called: Idiopathic pulmonary hypertension. Identifiers: MedGen C0152171.
BMPR2-related disorder. Also called: BMPR2-related disorders; BMPR2-related condition.
Idiopathic and/or familial pulmonary arterial hypertension. Identifiers: Orphanet 422, MedGen C5679820, MONDO:0008347.
Pulmonary arterial hypertension. Identifiers: Orphanet 182090, MedGen C2973725, MeSH D000081029, MONDO:0015924, HP:0002092.
Pulmonary hypertension, primary, 1 (PPH1). Also called: Pulmonary hypertension, familial primary, 1, with or without HHT. Identifiers: Orphanet 422, MedGen C4552070, MONDO:0024533, OMIM 178600.
Pulmonary venoocclusive disease 1 (PVOD1). Also called: Pulmonary venoocclusive disease 1, autosomal dominant. Identifiers: Orphanet 31837, MedGen C3887658, MONDO:0020713, OMIM 265450.

Allele frequency attached by ClinVar (database versions not stated): gnomAD exomes below 0.00001.
gnomAD v4.1: 1 of 1,612,608 alleles (0.000062%); highest among the groups gnomAD compares: Non-Finnish European, 0.000085%; no homozygotes.

Submissions (8):

Labcorp Genetics (formerly Invitae), Labcorp
Classification: Pathogenic for Primary pulmonary hypertension. Last evaluated: 2025-06-14. Review status: criteria provided, single submitter. Criteria: Invitae Variant Classification Sherloc (09022015). Collection method: clinical testing. Allele origin: germline.
Comment: This sequence change creates a premature translational stop signal (p.Arg147*) in the BMPR2 gene. It is expected to result in an absent or disrupted protein product. Loss-of-function variants in BMPR2 are known to be pathogenic (PMID: 16429395). This variant is present in population databases (no rsID available, gnomAD 0.0009%). This premature translational stop signal has been observed in individuals with pulmonary hypertension (PMID: 11115378, 15146475, 16717148, 18503968, 30578397). Invitae Evidence Modeling of clinical and family history, age, sex, and reported ancestry of multiple individuals with this BMPR2 variant has been performed. This variant is expected to be pathogenic with a positive predictive value of at least 99%. This is a validated machine learning model that incorporates the clinical features of 21,746 individuals referred to our laboratory for BMPR2 testing. ClinVar contains an entry for this variant (Variation ID: 222513). For these reasons, this variant has been classified as Pathogenic.

PreventionGenetics, part of Exact Sciences
Classification: Pathogenic for BMPR2-related condition. Last evaluated: 2024-12-12. Review status: criteria provided, single submitter. Criteria: ACMG Guidelines, 2015. Collection method: clinical testing. Allele origin: germline.
Comment: The BMPR2 c.439C>T variant is predicted to result in premature protein termination (p.Arg147*). This variant has been reported in multiple individuals with pulmonary arterial hypertension (see for examples, Machado et al. 2001. PubMed ID: 11115378; Sztrymf et al. 2008. PubMed ID: 18356561; Yang et al. 2018. PubMed ID: 29743074). This variant is reported in 0.00088% of alleles in individuals of European (non-Finnish) descent in gnomAD. Nonsense variants in BMPR2 are expected to be pathogenic. This variant is interpreted as pathogenic.

GeneDx
Classification: Pathogenic. Last evaluated: 2024-03-27. Review status: criteria provided, single submitter. Criteria: GeneDx Variant Classification Process June 2021. Collection method: clinical testing. Allele origin: germline. Affected: yes.
Comment: Nonsense variant predicted to result in protein truncation or nonsense mediated decay in a gene for which loss of function is a known mechanism of disease; Not observed at significant frequency in large population cohorts (gnomAD); This variant is associated with the following publications: (PMID: 26387786, 32634488, 35346192, 32581362, 20534176, 14526373, 16717148, 20002458, 16429395, 15146475, 25612240, 25525159, 21801371, 11115378, 29743074, 29023671, 30578397, 18356561, 31727138, 18503968, 21737554)

Fulgent Genetics
Classification: Pathogenic for Pulmonary hypertension, primary, 1; Pulmonary venoocclusive disease 1. Last evaluated: 2022-05-01. Review status: criteria provided, single submitter. Criteria: ACMG Guidelines, 2015. Collection method: clinical testing. Allele origin: unknown.

Clinical Genetics Laboratory, University Hospital Schleswig-Holstein
Classification: Pathogenic for Pulmonary hypertension, primary, 1. Last evaluated: 2024-09-05. Review status: no assertion criteria provided. Collection method: clinical testing. Allele origin: germline. Affected: yes. Not counted in ClinVar's aggregate classification.

NIHR Bioresource Rare Diseases, University of Cambridge
Classification: Pathogenic for Pulmonary arterial hypertension. Review status: no assertion criteria provided. Collection method: research. Allele origin: unknown. Affected: yes. Observed: 3 variant alleles. Not counted in ClinVar's aggregate classification.

Rare Disease Genomics Group, St George's University of London
Classification: Pathogenic for Primary pulmonary hypertension. Review status: no assertion criteria provided. Collection method: literature only. Allele origin: germline. Affected: yes. Not counted in ClinVar's aggregate classification.

Wendy Chung Laboratory, Boston Children's Hospital
No classification provided. Condition: Idiopathic and/or familial pulmonary arterial hypertension. Review status: no classification provided. Collection method: literature only. Allele origin: germline. Affected: yes. Observed: 2 variant alleles. Not counted in ClinVar's aggregate classification.

Literature cited by the submitters: PubMed 16429395 (cited by Labcorp Genetics (formerly Invitae), Labcorp and Rare Disease Genomics Group, St George's University of London); PubMed 11115378 (cited by Labcorp Genetics (formerly Invitae), Labcorp and Rare Disease Genomics Group, St George's University of London); PubMed 15146475 (cited by Labcorp Genetics (formerly Invitae), Labcorp and Rare Disease Genomics Group, St George's University of London); PubMed 16717148 (cited by Labcorp Genetics (formerly Invitae), Labcorp and Rare Disease Genomics Group, St George's University of London); PubMed 18503968 (cited by Labcorp Genetics (formerly Invitae), Labcorp); PubMed 30578397 (cited by Labcorp Genetics (formerly Invitae), Labcorp); PubMed 32581362 (cited by NIHR Bioresource Rare Diseases, University of Cambridge); PubMed 20534176 (cited by Rare Disease Genomics Group, St George's University of London); PubMed 20002458 (cited by Rare Disease Genomics Group, St George's University of London); PubMed 21801371 (cited by Rare Disease Genomics Group, St George's University of London); PubMed 21737554 (cited by Rare Disease Genomics Group, St George's University of London); PubMed 25612240 (cited by Rare Disease Genomics Group, St George's University of London); PubMed 26387786 (cited by Rare Disease Genomics Group, St George's University of London); PubMed 31727138 (cited by Wendy Chung Laboratory, Boston Children's Hospital).

NM_001204.7(BMPR2):c.439C>T (p.Arg147Ter)

Gene: BMPR2 (bone morphogenetic protein receptor type 2; plus strand). Cytogenetic location: 2q33.2.
Variant type: single nucleotide variant.
Coding change: c.439C>T on transcript NM_001204.7 (MANE Select); coding-DNA position 439, C replaced by T.
Protein change: p.Arg147Ter; replaces arginine 147 with a stop codon.
Molecular consequence: nonsense.
Genome position (GRCh38, 1-based): chr2:202,513,739, C>T. VCF-style: chr2-202513739-C-T. GRCh37 (hg19) VCF-style: chr2-203378462-C-T.
Other names: c.439C>T, p.R147* (LRG_712t1); short protein forms R147*.
Identifiers: ClinVar variation 222513 (VCV000222513.19), dbSNP rs869025366, ClinGen allele CA351778.
Genomic context (GRCh38, chr2:202,513,739, plus strand): 5'-TTTAAAAAAAAATGACATTTCAAAATTTGTTTTCTTTTAGGTCCACCTCATTCATTTAAC[C>T]GAGATGAGACAATAATCATTGCTTTGGCATCAGTCTCTGTATTAGCTGTTTTGATAGTTG-3'